The following is an entry in ClinVar:

NM_002449.5(MSX2):c.49G>A (p.Gly17Ser)

Gene: MSX2 (msh homeobox 2; plus strand). Cytogenetic location: 5q35.2.
Variant type: single nucleotide variant.
Coding change: c.49G>A on transcript NM_002449.5 (MANE Select); coding-DNA position 49, G replaced by A.
Protein change: p.Gly17Ser; replaces glycine 17 with serine.
Molecular consequence: missense variant.
Genome position (GRCh38, 1-based): chr5:174,724,708, G>A. VCF-style: chr5-174724708-G-A. GRCh37 (hg19) VCF-style: chr5-174151711-G-A.
Other names: c.49G>A, p.Gly17Ser (NM_001363626.2); c.49G>A (NM_002449.4); short protein forms G17S.
Identifiers: ClinVar variation 1563152 (VCV001563152.11), dbSNP rs754789827, ClinGen allele CA3565094.

ClinVar aggregate classification (germline): Benign/Likely benign. Review status: criteria provided, multiple submitters, no conflicts (2 of 4 stars). 3 submissions from 3 submitters: Benign (1); Likely benign (1). 1 of the submissions does not count toward it. Last evaluated 2023-11-29.

Conditions:
MSX2-related disorder. Also called: MSX2-related condition.
Cranium bifidum occultum. Also called: CRANIUM BIFIDUM, HEREDITARY; Enlarged Parietal Foramina; CATLIN MARKS. Identifiers: MedGen C1868598, HP:0004423.

Allele frequency attached by ClinVar (database versions not stated): gnomAD 0.00004 and 0.00005; gnomAD exomes 0.00007 and 0.00020; TOPMed 0.00009; ExAC 0.00039.
gnomAD v4.1: 104 of 1,591,382 alleles (0.0065%); highest among the groups gnomAD compares: East Asian, 0.21%; no homozygotes.

Submissions (3):

Blueprint Genetics
Classification: Likely benign. Last evaluated: 2023-11-29. Review status: criteria provided, single submitter. Criteria: ACMG Guidelines, 2015. Collection method: clinical testing. Allele origin: germline.

Labcorp Genetics (formerly Invitae), Labcorp
Classification: Benign for Cranium bifidum occultum. Last evaluated: 2023-06-05. Review status: criteria provided, single submitter. Criteria: Invitae Variant Classification Sherloc (09022015). Collection method: clinical testing. Allele origin: germline.

PreventionGenetics, part of Exact Sciences
Classification: Likely benign for MSX2-related condition. Last evaluated: 2021-10-18. Review status: no assertion criteria provided. Collection method: clinical testing. Allele origin: germline. Not counted in ClinVar's aggregate classification.
Comment: This variant is classified as likely benign based on ACMG/AMP sequence variant interpretation guidelines (Richards et al. 2015 PMID: 25741868, with internal and published modifications).